The following is an entry in ClinVar:

ClinVar aggregate classification (germline): Pathogenic. Review status: reviewed by expert panel (3 of 4 stars). 2 submissions from 2 submitters: Pathogenic (1). 1 of the submissions does not count toward it. Last evaluated 2017-12-15.

Conditions:
Breast-ovarian cancer, familial, susceptibility to, 2 (BROVCA2). Also called: BRCA2 Hereditary Breast and Ovarian Cancer. Identifiers: Orphanet 145, MedGen C2675520, MONDO:0012933, OMIM 612555. Disease mechanism: loss of function.
Familial cancer of breast. Also called: BREAST CANCER, FAMILIAL; Hereditary breast cancer; hereditary breast carcinoma. Identifiers: Orphanet 227535, MedGen C0346153, MONDO:0016419, OMIM 114480. Disease mechanism: loss of function.

Submissions (2):

Evidence-based Network for the Interpretation of Germline Mutant Alleles (ENIGMA)
Classification: Pathogenic for Breast-ovarian cancer, familial, susceptibility to, 2. Last evaluated: 2017-12-15. Review status: reviewed by expert panel. Criteria: ENIGMA BRCA1/2 Classification Criteria (2017-06-29). Collection method: curation. Allele origin: germline. Study: ENIGMA.
Comment: Variant allele predicted to encode a truncated non-functional protein.

ClinVar Staff, National Center for Biotechnology Information (NCBI)
No classification provided. Condition: Familial cancer of breast. Review status: no classification provided. Collection method: literature only. Allele origin: germline. Affected: yes. Not counted in ClinVar's aggregate classification.

Literature cited by the submitters: PubMed 21939546 (cited by ClinVar Staff, National Center for Biotechnology Information (NCBI)).

NM_000059.4(BRCA2):c.488_489del (p.Ser163fs)

Gene: BRCA2 (BRCA2 DNA repair associated; plus strand). Cytogenetic location: 13q13.1.
Variant type: Deletion.
Coding change: c.488_489del on transcript NM_000059.4 (MANE Select); coding-DNA positions 488 to 489, 2 bases deleted (GT; older notation c.488_489delGT).
Protein change: p.Ser163fs; shifts the reading frame from serine 163.
Molecular consequence: frameshift variant.
Genome position (GRCh38, 1-based): chr13:32,326,254-32,326,255, GT deleted. VCF-style (leftmost placement, unchanged base first): chr13-32326253-AGT-A. GRCh37 (hg19) VCF-style: chr13-32900390-AGT-A.
Other names: c.488_489delGT (NM_000059.3); short protein forms S163fs.
Identifiers: ClinVar variation 51733 (VCV000051733.3), dbSNP rs397507747, ClinGen allele CA020947.
Genomic context (GRCh38, chr13:32,326,253, plus strand): 5'-ATGTTAATAAAAATAAAACTTAACAATTTTCCCCTTTTTTTACCCCCAGTGGTATGTGGG[AGT>A]TTGTTTCATACACCAAAGTTTGTGAAGGTAAATATTCTACCTGGTTTATTTTTATGACTT-3'